The following is an entry in ClinVar:

NM_004928.3(CFAP410):c.493del (p.Ser165fs)

Gene: CFAP410 (cilia and flagella associated protein 410; minus strand). Cytogenetic location: 21q22.3.
Variant type: Deletion.
Coding change: c.493del on transcript NM_004928.3 (MANE Select); coding-DNA position 493, one base deleted (A; older notation c.493delA).
Protein change: p.Ser165fs; shifts the reading frame from serine 165.
Molecular consequence: frameshift variant.
Genome position (GRCh38, 1-based): chr21:44,331,895, T deleted on the plus strand (A on the coding strand, the reverse complement: CFAP410 is on the minus strand). VCF-style (leftmost placement, unchanged base first): chr21-44331894-CT-C. GRCh37 (hg19) VCF-style: chr21-45751777-CT-C.
Other names: c.493del, p.Ser165fs (NM_001271440.2, NM_001271441.2); c.370del, p.Ser124fs (NM_001271442.1); c.493delA (NM_004928.2); short protein forms S165fs, S124fs.
Identifiers: ClinVar variation 866541 (VCV000866541.10), dbSNP rs752395624, ClinGen allele CA10053656.
Genomic context (GRCh38, chr21:44,331,894, plus strand): 5'-CAGCCTCACGTTGCCTCCTCCTCGCTGTCCAGCGGGTCCCGGCCAGTCTCAGCAGCGGAG[CT>C]GAGGGAGCTCAGTGTGCAGCATAGCTTGGGGCCGCCGTGGCCTGTGCCCTCTCTCTCTGG-3'

ClinVar aggregate classification (germline): Pathogenic/Likely pathogenic. Review status: criteria provided, multiple submitters, no conflicts (2 of 4 stars). 4 submissions from 4 submitters: Pathogenic (1); Likely pathogenic (3). Last evaluated 2026-06-02.

Conditions:
CFAP410-related disorder. Also called: CFAP410-related condition.
Autosomal recessive CFAP410-related disorders.

Allele frequency attached by ClinVar (database versions not stated): ExAC 0.00001; gnomAD exomes 0.00002 and 0.00006; gnomAD 0.00003; TOPMed 0.00003.

Submissions (4):

PreventionGenetics, part of Exact Sciences
Classification: Likely pathogenic for CFAP410-related condition. Last evaluated: 2026-06-02. Review status: criteria provided, single submitter. Criteria: ACMG Guidelines, 2015. Collection method: clinical testing. Allele origin: germline.
Comment: The CFAP410 c.493delA variant is predicted to result in a frameshift and premature protein termination (p.Ser165Alafs*27). To our knowledge, this variant has not been reported in the literature. This variant is reported in 0.0063% of alleles in individuals of African descent in gnomAD. Frameshift variants in CFAP410 are expected to be pathogenic. This variant is interpreted as likely pathogenic.

Variantyx, Inc.
Classification: Likely pathogenic for Autosomal recessive CFAP410-related disorders. Last evaluated: 2025-10-24. Review status: criteria provided, single submitter. Criteria: Variantyx Assertion Criteria 2022. Collection method: clinical testing. Allele origin: germline. Inheritance: Autosomal recessive inheritance. Affected: no.
Comment: This is a frameshift variant in the CFAP410 gene (OMIM: 603191). Pathogenic variants in this gene have been associated with autosomal recessive CFAP410-related disorders. This variant introduces a premature termination codon in exon 5 out of 7 and is expected to result in loss of function, which is a known disease mechanism for CFAP410 in this disorder (PMID: 23105016, 26167768) (PVS1). This variant has a 0.0081% maximum allele frequency in non-founder control populations (PM2). Based on the current evidence, this variant is classified as likely pathogenic for autosomal recessive CFAP410-related disorders.

Labcorp Genetics (formerly Invitae), Labcorp
Classification: Pathogenic. Last evaluated: 2025-08-06. Review status: criteria provided, single submitter. Criteria: Invitae Variant Classification Sherloc (09022015). Collection method: clinical testing. Allele origin: germline.
Comment: This sequence change creates a premature translational stop signal (p.Ser165Alafs*27) in the CFAP410 gene. It is expected to result in an absent or disrupted protein product. Loss-of-function variants in CFAP410 are known to be pathogenic (PMID: 23105016, 26167768). This variant is present in population databases (rs752395624, gnomAD 0.007%). This variant has not been reported in the literature in individuals affected with CFAP410-related conditions. ClinVar contains an entry for this variant (Variation ID: 866541). For these reasons, this variant has been classified as Pathogenic.

Blueprint Genetics
Classification: Likely pathogenic for CFAP410-related disorders. Last evaluated: 2019-01-28. Review status: criteria provided, single submitter. Criteria: ACMG Guidelines, 2015. Collection method: clinical testing. Allele origin: germline. Affected: yes. Observed: 2 variant alleles.

Literature cited by the submitters: PubMed 23105016 (cited by Variantyx, Inc. and Labcorp Genetics (formerly Invitae), Labcorp); PubMed 26167768 (cited by Variantyx, Inc. and Labcorp Genetics (formerly Invitae), Labcorp).